The following is an entry in ClinVar:

NM_000051.4(ATM):c.5138T>C (p.Ile1713Thr)

Gene: ATM (ATM serine/threonine kinase; plus strand). Cytogenetic location: 11q22.3.
Variant type: single nucleotide variant.
Coding change: c.5138T>C on transcript NM_000051.4 (MANE Select); coding-DNA position 5138, T replaced by C.
Protein change: p.Ile1713Thr; replaces isoleucine 1713 with threonine.
Molecular consequence: missense variant.
Genome position (GRCh38, 1-based): chr11:108,299,846, T>C. VCF-style: chr11-108299846-T-C. GRCh37 (hg19) VCF-style: chr11-108170573-T-C.
Other names: c.5138T>C, p.Ile1713Thr (NM_001351834.2); short protein forms I1713T.
Identifiers: ClinVar variation 524243 (VCV000524243.13), dbSNP rs1199544303, ClinGen allele CA382540960.

ClinVar aggregate classification (germline): Conflicting classifications of pathogenicity. Review status: criteria provided, conflicting classifications (1 of 4 stars). 2 submissions from 2 submitters: Uncertain significance (1); Likely benign (1). Last evaluated 2025-04-09.

Conditions:
Hereditary cancer-predisposing syndrome. Also called: Neoplastic Syndromes, Hereditary; Tumor predisposition; Hereditary Cancer Syndrome; Hereditary neoplastic syndrome. Identifiers: Orphanet 140162, MedGen C0027672, MeSH D009386, MONDO:0015356.
Ataxia-telangiectasia syndrome (AT). Also called: ATAXIA-TELANGIECTASIA, COMPLEMENTATION GROUP A; ATAXIA-TELANGIECTASIA, FRESNO VARIANT; Ataxia-telangiectasia; Ataxia-telangiectasia, complementation group D; AT, COMPLEMENTATION GROUP C; Ataxia-telangiectasia, complementation group E. Identifiers: Orphanet 100, MedGen C0004135, MONDO:0008840, OMIM 208900.

Allele frequency attached by ClinVar (database versions not stated): TOPMed below 0.00001; gnomAD 0.00001.
gnomAD v4.1: 1 of 1,613,854 alleles (0.000062%); highest among the groups gnomAD compares: East Asian, 0.0022%; no homozygotes.

Submissions (2):

Ambry Genetics
Classification: Likely benign for Hereditary cancer-predisposing syndrome. Last evaluated: 2025-04-09. Review status: criteria provided, single submitter. Criteria: Ambry Variant Classification Scheme 2023. Collection method: clinical testing. Allele origin: germline.

Labcorp Genetics (formerly Invitae), Labcorp
Classification: Uncertain significance for Ataxia-telangiectasia syndrome. Last evaluated: 2023-12-19. Review status: criteria provided, single submitter. Criteria: Invitae Variant Classification Sherloc (09022015). Collection method: clinical testing. Allele origin: germline.
Comment: This sequence change replaces isoleucine, which is neutral and non-polar, with threonine, which is neutral and polar, at codon 1713 of the ATM protein (p.Ile1713Thr). This variant is not present in population databases (gnomAD no frequency). This variant has not been reported in the literature in individuals affected with ATM-related conditions. ClinVar contains an entry for this variant (Variation ID: 524243). Algorithms developed to predict the effect of missense changes on protein structure and function output the following: SIFT: "Not Available"; PolyPhen-2: "Benign"; Align-GVGD: "Not Available". The threonine amino acid residue is found in multiple mammalian species, which suggests that this missense change does not adversely affect protein function. In summary, the available evidence is currently insufficient to determine the role of this variant in disease. Therefore, it has been classified as a Variant of Uncertain Significance.